The following is an entry in ClinVar:

ClinVar aggregate classification (germline): Uncertain significance (1 of 4 stars; one submission).

Conditions:
Dilated cardiomyopathy 1JJ (CMD1JJ). Identifiers: Orphanet 154, MedGen C3808935, MONDO:0014095, OMIM 615235.

Submission:

Labcorp Genetics (formerly Invitae), Labcorp
Classification: Uncertain significance for Dilated cardiomyopathy 1JJ. Last evaluated: 2022-08-16. Review status: criteria provided, single submitter. Criteria: Invitae Variant Classification Sherloc (09022015). Collection method: clinical testing. Allele origin: germline.
Comment: This variant is not present in population databases (gnomAD no frequency). This variant, c.4174_4179del, results in the deletion of 2 amino acid(s) of the LAMA4 protein (p.Leu1392_Tyr1393del), but otherwise preserves the integrity of the reading frame. This variant has not been reported in the literature in individuals affected with LAMA4-related conditions. ClinVar contains an entry for this variant (Variation ID: 939104). Experimental studies and prediction algorithms are not available or were not evaluated, and the functional significance of this variant is currently unknown. In summary, the available evidence is currently insufficient to determine the role of this variant in disease. Therefore, it has been classified as a Variant of Uncertain Significance.

NM_001105206.3(LAMA4):c.4195_4200del (p.Leu1399_Tyr1400del)

Gene: LAMA4 (laminin subunit alpha 4; minus strand). Cytogenetic location: 6q21.
Variant type: Deletion.
Coding change: c.4195_4200del on transcript NM_001105206.3 (MANE Select); coding-DNA positions 4195 to 4200, 6 bases deleted (CTTTAT; older notation c.4195_4200delCTTTAT).
Protein change: p.Leu1399_Tyr1400del.
Molecular consequence: inframe deletion.
Genome position (GRCh38, 1-based): chr6:112,129,009-112,129,014, ATAAAG deleted on the plus strand (CTTTAT on the coding strand, the reverse complement: LAMA4 is on the minus strand); deleting any 6 consecutive bases within chr6:112,129,009-112,129,015 gives the same sequence; the c. name uses the placement nearest the transcript's 3' end. VCF-style (leftmost placement, unchanged base first): chr6-112129008-CATAAAG-C. GRCh37 (hg19) VCF-style: chr6-112450210-CATAAAG-C.
Other names: c.4174_4179del, p.Leu1392_Tyr1393del (NM_001105207.3, NM_002290.5).
Identifiers: ClinVar variation 939104 (VCV000939104.9), dbSNP rs1778865266, ClinGen allele CA1139659786.